The following is an entry in ClinVar:

ClinVar aggregate classification (germline): Pathogenic (1 of 4 stars; one submission).

Submission:

Labcorp Genetics (formerly Invitae), Labcorp
Classification: Pathogenic. Last evaluated: 2023-11-29. Review status: criteria provided, single submitter. Criteria: Invitae Variant Classification Sherloc (09022015). Collection method: clinical testing. Allele origin: unknown.
Comment: This variant results in the deletion of exons 1-2 and part of exon 3 (c.-54482_327delinsC) of the FNIP1 gene. It is expected to result in an absent or disrupted protein product. Loss-of-function variants in FNIP1 are known to be pathogenic (PMID: 32181500, 32905580). This variant has not been reported in the literature in individuals affected with FNIP1-related conditions. For these reasons, this variant has been classified as Pathogenic.

Literature cited by the submitters: PubMed 32181500; PubMed 32905580.

NC_000005.9:g.(?_131066624)_(131187096_?)del

Gene: FNIP1 (folliculin interacting protein 1; minus strand). Cytogenetic location: 5q31.1.
Variant type: Deletion.
Identifiers: ClinVar variation 3246567 (VCV003246567.1).